The following is an entry in ClinVar:

ClinVar aggregate classification (germline): Uncertain significance (1 of 4 stars; one submission).

Conditions:
Intellectual developmental disorder, autosomal dominant 6, with or without seizures. Also called: Intellectual disability, autosomal dominant 6; GRIN2B-related developmental delay, intellectual disability and autism spectrum disorder. Identifiers: Orphanet 589547, MedGen C3151411, MONDO:0013509, OMIM 613970.
Developmental and epileptic encephalopathy, 27 (DEE27). Also called: Epileptic encephalopathy, early infantile, 27; GRIN2B-Related Neurodevelopmental Disorder. Identifiers: Orphanet 3451, MedGen C4015316, MONDO:0014505, OMIM 616139.

Submission:

Labcorp Genetics (formerly Invitae), Labcorp
Classification: Uncertain significance for Developmental and epileptic encephalopathy, 27; Intellectual developmental disorder, autosomal dominant 6, with or without seizures. Last evaluated: 2022-06-13. Review status: criteria provided, single submitter. Criteria: Invitae Variant Classification Sherloc (09022015). Collection method: clinical testing. Allele origin: germline.
Comment: In summary, the available evidence is currently insufficient to determine the role of this variant in disease. Therefore, it has been classified as a Variant of Uncertain Significance. Advanced modeling of protein sequence and biophysical properties (such as structural, functional, and spatial information, amino acid conservation, physicochemical variation, residue mobility, and thermodynamic stability) performed at Invitae indicates that this missense variant is not expected to disrupt GRIN2B protein function. This variant has not been reported in the literature in individuals affected with GRIN2B-related conditions. This variant is not present in population databases (gnomAD no frequency). This sequence change replaces isoleucine, which is neutral and non-polar, with serine, which is neutral and polar, at codon 877 of the GRIN2B protein (p.Ile877Ser).

NM_000834.5(GRIN2B):c.2630T>G (p.Ile877Ser)

Gene: GRIN2B (glutamate ionotropic receptor NMDA type subunit 2B; minus strand). Cytogenetic location: 12p13.1.
Variant type: single nucleotide variant.
Coding change: c.2630T>G on transcript NM_000834.5 (MANE Select); coding-DNA position 2630, T replaced by G.
Protein change: p.Ile877Ser; replaces isoleucine 877 with serine.
Molecular consequence: missense variant.
Genome position (GRCh38, 1-based): chr12:13,564,608, A>C on the plus strand (T>G on the coding strand, the complement: GRIN2B is on the minus strand). VCF-style: chr12-13564608-A-C. GRCh37 (hg19) VCF-style: chr12-13717542-A-C.
Other names: short protein forms I877S.
Identifiers: ClinVar variation 1514153 (VCV001514153.6), dbSNP rs2136406448, ClinGen allele CA383994664.